The following is an entry in ClinVar:

NM_001378454.1(ALMS1):c.9083G>A (p.Cys3028Tyr)

Gene: ALMS1 (ALMS1 centrosome and basal body associated protein; plus strand). Cytogenetic location: 2p13.1.
Variant type: single nucleotide variant.
Coding change: c.9083G>A on transcript NM_001378454.1 (MANE Select); coding-DNA position 9083, G replaced by A.
Protein change: p.Cys3028Tyr; replaces cysteine 3028 with tyrosine.
Molecular consequence: missense variant.
Genome position (GRCh38, 1-based): chr2:73,491,042, G>A. VCF-style: chr2-73491042-G-A. GRCh37 (hg19) VCF-style: chr2-73718169-G-A.
Other names: c.9086G>A, p.Cys3029Tyr (NM_015120.4); short protein forms C3029Y, C3028Y.
Identifiers: ClinVar variation 684453 (VCV000684453.8), dbSNP rs565501407, ClinGen allele CA1714600.

ClinVar aggregate classification (germline): Uncertain significance. Review status: criteria provided, multiple submitters, no conflicts (2 of 4 stars). 4 submissions from 4 submitters: Uncertain significance (3). 1 of the submissions does not count toward it. Last evaluated 2023-11-30.

Conditions:
Nephrotic syndrome. Identifiers: MedGen C0027726, MONDO:0005377, HP:0000100.
Alstrom syndrome (ALMS). Identifiers: Orphanet 64, MedGen C0268425, MONDO:0008763, OMIM 203800.

Allele frequency attached by ClinVar (database versions not stated): TOPMed 0.00001; gnomAD exomes 0.00002 and 0.00004; gnomAD 0.00003; ExAC 0.00004; 1000 Genomes Project 30x 0.00062; 1000 Genomes Project 0.00080.
gnomAD v4.1: 31 of 1,614,158 alleles (0.0019%); highest among the groups gnomAD compares: South Asian, 0.032%; 1 homozygote.

Submissions (4):

GeneDx
Classification: Uncertain significance. Last evaluated: 2023-11-30. Review status: criteria provided, single submitter. Criteria: GeneDx Variant Classification Process June 2021. Collection method: clinical testing. Allele origin: germline. Affected: yes.
Comment: In silico analysis supports that this missense variant does not alter protein structure/function; Has not been previously published as pathogenic or benign to our knowledge

Labcorp Genetics (formerly Invitae), Labcorp
Classification: Uncertain significance for Alstrom syndrome. Last evaluated: 2022-11-01. Review status: criteria provided, single submitter. Criteria: Invitae Variant Classification Sherloc (09022015). Collection method: clinical testing. Allele origin: germline.
Comment: This sequence change replaces cysteine, which is neutral and slightly polar, with tyrosine, which is neutral and polar, at codon 3029 of the ALMS1 protein (p.Cys3029Tyr). This variant is present in population databases (rs565501407, gnomAD 0.03%). This variant has not been reported in the literature in individuals affected with ALMS1-related conditions. ClinVar contains an entry for this variant (Variation ID: 684453). Algorithms developed to predict the effect of missense changes on protein structure and function output the following: SIFT: "Not Available"; PolyPhen-2: "Not Available"; Align-GVGD: "Not Available". The tyrosine amino acid residue is found in multiple mammalian species, which suggests that this missense change does not adversely affect protein function. In summary, the available evidence is currently insufficient to determine the role of this variant in disease. Therefore, it has been classified as a Variant of Uncertain Significance.

Blueprint Genetics
Classification: Uncertain significance. Last evaluated: 2018-01-15. Review status: criteria provided, single submitter. Criteria: ACMG Guidelines, 2015. Collection method: clinical testing. Allele origin: germline.

Sydney Genome Diagnostics, Children's Hospital Westmead
Classification: Uncertain significance for Nephrotic syndrome. Last evaluated: 2017-11-17. Review status: no assertion criteria provided. Collection method: clinical testing. Allele origin: unknown. Affected: yes. Observed: 1 variant allele, 1 compound heterozygote. Not counted in ClinVar's aggregate classification.
Comment: To our knowledge, this variant has not been previously reported in the literature or any disease specific databases to be a disease causing variant. This variant has been reported in the gnomAD browser with a low allele frequency of 0.03% (9/ 30,780 alleles). In silico analysis of pathogenicity (through Alamut Visual v2.8.1) using PolyPhen2, SIFT, MutationTaster and Align GVGD suggest that this variant does not affect protein function and is likely to be benign. However, this analysis alone cannot be used to exclude pathogenicity. This variant is considered to be a variant of uncertain clinical significance (VOUS) according to the ACMG guidelines.